The following is an entry in ClinVar:

NM_001042424.3(NSD2):c.1582C>A (p.His528Asn)

Gene: NSD2 (nuclear receptor binding SET domain protein 2; plus strand). Cytogenetic location: 4p16.3.
Variant type: single nucleotide variant.
Coding change: c.1582C>A on transcript NM_001042424.3 (MANE Select); coding-DNA position 1582, C replaced by A.
Protein change: p.His528Asn; replaces histidine 528 with asparagine.
Molecular consequence: missense variant.
Genome position (GRCh38, 1-based): chr4:1,935,170, C>A. VCF-style: chr4-1935170-C-A. GRCh37 (hg19) VCF-style: chr4-1936897-C-A.
Other names: c.1582C>A, p.His528Asn (NM_007331.2, NM_133330.3, NM_133331.3 and 2 more transcripts); short protein forms H528N.
Identifiers: ClinVar variation 348433 (VCV000348433.35), dbSNP rs139753036, ClinGen allele CA2812137.

ClinVar aggregate classification (germline): Benign/Likely benign. Review status: criteria provided, multiple submitters, no conflicts (2 of 4 stars). 3 submissions from 3 submitters: Benign (1); Likely benign (1). 1 of the submissions does not count toward it. Last evaluated 2026-02-01.

Conditions:
NSD2-related disorder. Also called: NSD2-related condition; NSD2 related disorders.

Allele frequency attached by ClinVar (database versions not stated): gnomAD 0.00405 and 0.00379; 1000 Genomes Project 30x 0.00047; 1000 Genomes Project 0.00060; TOPMed 0.00125; ESP Exome Variant Server 0.00138; ExAC 0.00316; gnomAD exomes 0.00325.
gnomAD v4.1: 3,870 of 1,610,822 alleles (0.24%); highest among the groups gnomAD compares: Non-Finnish European, 0.19%; 33 homozygotes.

Submissions (3):

CeGaT Center for Human Genetics Tuebingen
Classification: Likely benign. Last evaluated: 2026-02-01. Review status: criteria provided, single submitter. Criteria: CeGaT Center For Human Genetics Tuebingen Variant Classification Criteria Version 2. Collection method: clinical testing. Allele origin: germline. Affected: yes. Observed: 10 variant alleles.
Comment: NSD2: BS1

Labcorp Genetics (formerly Invitae), Labcorp
Classification: Benign. Last evaluated: 2025-12-24. Review status: criteria provided, single submitter. Criteria: Invitae Variant Classification Sherloc (09022015). Collection method: clinical testing. Allele origin: germline.

PreventionGenetics, part of Exact Sciences
Classification: Benign for NSD2-related condition. Last evaluated: 2019-08-28. Review status: no assertion criteria provided. Collection method: clinical testing. Allele origin: germline. Not counted in ClinVar's aggregate classification.
Comment: This variant is classified as benign based on ACMG/AMP sequence variant interpretation guidelines (Richards et al. 2015 PMID: 25741868, with internal and published modifications).